The following is an entry in ClinVar:

NM_020458.4(TTC7A):c.1641+57G>T

Gene: TTC7A (tetratricopeptide repeat domain 7A; plus strand). Cytogenetic location: 2p21.
Variant type: single nucleotide variant.
Coding change: c.1641+57G>T on transcript NM_020458.4 (MANE Select); 57 bases into the intron after coding-DNA position 1641, G replaced by T.
Molecular consequence: intron variant.
Genome position (GRCh38, 1-based): chr2:47,024,416, G>T. VCF-style: chr2-47024416-G-T. GRCh37 (hg19) VCF-style: chr2-47251555-G-T.
Other names: c.1539+57G>T (NM_001288953.2); c.1641+57G>T (NM_001288951.2); c.579+57G>T (NM_001288955.2).
Identifiers: ClinVar variation 1288986 (VCV001288986.4), dbSNP rs72872958, ClinGen allele CA11114528.

ClinVar aggregate classification (germline): Benign. Review status: criteria provided, multiple submitters, no conflicts (2 of 4 stars). 3 submissions from 3 submitters: Benign (3). Last evaluated 2024-01-24.

Allele frequency attached by ClinVar (database versions not stated): gnomAD exomes 0.15759; ESP Exome Variant Server 0.17543; gnomAD 0.18408 and 0.18875; TOPMed 0.18717; 1000 Genomes Project 30x 0.24875; 1000 Genomes Project 0.24880.
gnomAD v4.1: 240,586 of 1,492,758 alleles (16%); highest among the groups gnomAD compares: South Asian, 34%; 22,014 homozygotes.

Submissions (3):

Unidad de Genómica Garrahan, Hospital de Pediatría Garrahan
Classification: Benign. Last evaluated: 2024-01-24. Review status: criteria provided, single submitter. Criteria: ACMG Guidelines, 2015. Collection method: clinical testing. Allele origin: germline. Affected: no. Observed: 38 variant alleles.
Comment: This variant is classified as Benign based on local population frequency. This variant was detected in 40% of patients studied by a panel of primary immunodeficiencies. Number of patients: 38. Only high quality variants are reported.

GeneDx
Classification: Benign. Last evaluated: 2018-07-09. Review status: criteria provided, single submitter. Criteria: GeneDx Variant Classification Process June 2021. Collection method: clinical testing. Allele origin: germline. Affected: yes.

Breakthrough Genomics
Classification: Benign. Review status: criteria provided, single submitter. Criteria: ACMG Guidelines, 2015. Collection method: not provided. Allele origin: germline. Inheritance: Autosomal recessive inheritance. Affected: yes.